The following is an entry in ClinVar:

NM_001283009.2(RTEL1):c.2450G>C (p.Cys817Ser)

Genes: RTEL1 (regulator of telomere elongation helicase 1; plus strand), RTEL1-TNFRSF6B (RTEL1-TNFRSF6B readthrough (NMD candidate); plus strand). Cytogenetic location: 20q13.33.
Variant type: single nucleotide variant.
Coding change: c.2450G>C on transcript NM_001283009.2 (MANE Select); coding-DNA position 2450, G replaced by C.
Protein change: p.Cys817Ser; replaces cysteine 817 with serine.
Molecular consequence: missense variant. On other transcripts: non-coding transcript variant (1).
Genome position (GRCh38, 1-based): chr20:63,690,841, G>C. VCF-style: chr20-63690841-G-C. GRCh37 (hg19) VCF-style: chr20-62322194-G-C.
Other names: c.1781G>C, p.Cys594Ser (NM_001283010.1); c.2450G>C, p.Cys817Ser (NM_016434.4); c.2522G>C, p.Cys841Ser (NM_032957.5); short protein forms C817S, C594S, C841S.
Identifiers: ClinVar variation 3436033 (VCV003436033.1).

ClinVar aggregate classification (germline): Uncertain significance (1 of 4 stars; one submission).

Conditions:
Inborn genetic diseases. Identifiers: MedGen C0950123, MeSH D030342.

gnomAD v4.1: 3 of 1,605,758 alleles (0.00019%); highest among the groups gnomAD compares: Non-Finnish European, 0.00025%; no homozygotes.

Submission:

Ambry Genetics
Classification: Uncertain significance for Inborn genetic diseases. Last evaluated: 2024-12-07. Review status: criteria provided, single submitter. Criteria: Ambry Variant Classification Scheme 2023. Collection method: clinical testing. Allele origin: germline.
Comment: The p.C817S variant (also known as c.2450G>C), located in coding exon 26 of the RTEL1 gene, results from a G to C substitution at nucleotide position 2450. The cysteine at codon 817 is replaced by serine, an amino acid with dissimilar properties. This amino acid position is conserved. In addition, this alteration is predicted to be tolerated by in silico analysis. Based on the available evidence, the clinical significance of this variant remains unclear.